The following is an entry in ClinVar:

NM_000264.5(PTCH1):c.4160C>G (p.Pro1387Arg)

Gene: PTCH1 (patched 1; minus strand). Cytogenetic location: 9q22.32.
Variant type: single nucleotide variant.
Coding change: c.4160C>G on transcript NM_000264.5 (MANE Select); coding-DNA position 4160, C replaced by G.
Protein change: p.Pro1387Arg; replaces proline 1387 with arginine.
Molecular consequence: missense variant. On other transcripts: non-coding transcript variant (1).
Genome position (GRCh38, 1-based): chr9:95,447,096, G>C on the plus strand (C>G on the coding strand, the complement: PTCH1 is on the minus strand). VCF-style: chr9-95447096-G-C. GRCh37 (hg19) VCF-style: chr9-98209378-G-C.
Other names: c.4160C>G (NM_000264.3); c.3962C>G, p.Pro1321Arg (NM_001083602.3); c.4157C>G, p.Pro1386Arg (NM_001083603.3); c.3707C>G, p.Pro1236Arg (NM_001083604.3, NM_001083605.3, NM_001083606.3 and 1 more transcripts); c.4004C>G, p.Pro1335Arg (NM_001354918.2); short protein forms P1236R, P1321R, P1386R, P1335R, P1387R.
Identifiers: ClinVar variation 1512733 (VCV001512733.9), dbSNP rs552921967, ClinGen allele CA374110205.
Genomic context (GRCh38, chr9:95,447,096, plus strand): 5'-CCGTGGTCAGTCTCAGGGTAGCCTGGGCAGAGTCCCCCTCGGGGGTTCCGCCCAGGCCCA[G>C]GGACAGGCGGCGGGTGCACGGCGACAGTCACGGAGGCAGAAGCCGTCACAGTGGTGATGG-3'
Protein context (NP_000255.2, residues 1377-1397): VTVAVHPPPV[Pro1387Arg]GPGRNPRGGL

ClinVar aggregate classification (germline): Uncertain significance. Review status: criteria provided, multiple submitters, no conflicts (2 of 4 stars). 2 submissions from 2 submitters: Uncertain significance (2). Last evaluated 2025-09-07.

Conditions:
Hereditary cancer-predisposing syndrome. Also called: Neoplastic Syndromes, Hereditary; Hereditary Cancer Syndrome; Tumor predisposition; Hereditary neoplastic syndrome. Identifiers: Orphanet 140162, MedGen C0027672, MeSH D009386, MONDO:0015356.
Gorlin syndrome. Also called: Basal cell nevus syndrome; Nevoid Basal Cell Carcinoma Syndrome. Identifiers: Orphanet 377, MedGen C0004779, MONDO:0007187.

Allele frequency attached by ClinVar (database versions not stated): gnomAD exomes below 0.00001.
gnomAD v4.1: 1 of 1,613,806 alleles (0.000062%); highest among the groups gnomAD compares: South Asian, 0.0011%; no homozygotes.

Submissions (2):

Ambry Genetics
Classification: Uncertain significance for Hereditary cancer-predisposing syndrome. Last evaluated: 2025-09-07. Review status: criteria provided, single submitter. Criteria: Ambry Variant Classification Scheme 2023. Collection method: clinical testing. Allele origin: germline.
Comment: The p.P1387R variant (also known as c.4160C>G), located in coding exon 23 of the PTCH1 gene, results from a C to G substitution at nucleotide position 4160. The proline at codon 1387 is replaced by arginine, an amino acid with dissimilar properties. This amino acid position is conserved. In addition, this alteration is predicted to be tolerated by in silico analysis. Based on the available evidence, the clinical significance of this variant remains unclear.

Labcorp Genetics (formerly Invitae), Labcorp
Classification: Uncertain significance for Gorlin syndrome. Last evaluated: 2024-05-18. Review status: criteria provided, single submitter. Criteria: Invitae Variant Classification Sherloc (09022015). Collection method: clinical testing. Allele origin: germline.
Comment: This sequence change replaces proline, which is neutral and non-polar, with arginine, which is basic and polar, at codon 1387 of the PTCH1 protein (p.Pro1387Arg). This variant is not present in population databases (gnomAD no frequency). This variant has not been reported in the literature in individuals affected with PTCH1-related conditions. ClinVar contains an entry for this variant (Variation ID: 1512733). Advanced modeling of protein sequence and biophysical properties (such as structural, functional, and spatial information, amino acid conservation, physicochemical variation, residue mobility, and thermodynamic stability) performed at Invitae indicates that this missense variant is not expected to disrupt PTCH1 protein function with a negative predictive value of 95%. In summary, the available evidence is currently insufficient to determine the role of this variant in disease. Therefore, it has been classified as a Variant of Uncertain Significance.